The following is an entry in ClinVar:

NM_024675.4(PALB2):c.2995G>C (p.Gly999Arg)

Gene: PALB2 (partner and localizer of BRCA2; minus strand). Cytogenetic location: 16p12.2.
Variant type: single nucleotide variant.
Coding change: c.2995G>C on transcript NM_024675.4 (MANE Select); coding-DNA position 2995, G replaced by C.
Protein change: p.Gly999Arg; replaces glycine 999 with arginine.
Molecular consequence: missense variant.
Genome position (GRCh38, 1-based): chr16:23,622,970, C>G on the plus strand (G>C on the coding strand, the complement: PALB2 is on the minus strand). VCF-style: chr16-23622970-C-G. GRCh37 (hg19) VCF-style: chr16-23634291-C-G.
Other names: c.2935G>C, p.Gly979Arg (NM_001407296.1); c.2923G>C, p.Gly975Arg (NM_001407297.1); c.2833G>C, p.Gly945Arg (NM_001407298.1, NM_001407302.1); c.2995G>C, p.Gly999Arg (NM_001407299.1, NM_001407301.1); c.2110G>C, p.Gly704Arg (NM_001407304.1, NM_001407305.1, NM_001407306.1 and 4 more transcripts); c.1948G>C, p.Gly650Arg (NM_001407307.1); c.1207G>C, p.Gly403Arg (NM_001407312.1, NM_001407313.1); c.529G>C, p.Gly177Arg (NM_001407314.1); short protein forms G403R, G177R, G650R, G704R, G945R, G975R, G979R, G999R.
Identifiers: ClinVar variation 1798570 (VCV001798570.6), dbSNP rs1269970394, ClinGen allele CA395143837.

ClinVar aggregate classification (germline): Uncertain significance. Review status: criteria provided, multiple submitters, no conflicts (2 of 4 stars). 2 submissions from 2 submitters: Uncertain significance (2). Last evaluated 2025-07-14.

Conditions:
Hereditary cancer-predisposing syndrome. Also called: Neoplastic Syndromes, Hereditary; Tumor predisposition; Hereditary Cancer Syndrome; Hereditary neoplastic syndrome. Identifiers: Orphanet 140162, MedGen C0027672, MeSH D009386, MONDO:0015356.
Familial cancer of breast. Also called: BREAST CANCER, FAMILIAL; Hereditary breast cancer; hereditary breast carcinoma. Identifiers: Orphanet 227535, MedGen C0346153, MONDO:0016419, OMIM 114480. Disease mechanism: loss of function.

Submissions (2):

Ambry Genetics
Classification: Uncertain significance for Hereditary cancer-predisposing syndrome. Last evaluated: 2025-07-14. Review status: criteria provided, single submitter. Criteria: Ambry Variant Classification Scheme 2023. Collection method: clinical testing. Allele origin: germline.
Comment: The p.G999R variant (also known as c.2995G>C), located in coding exon 9 of the PALB2 gene, results from a G to C substitution at nucleotide position 2995. The glycine at codon 999 is replaced by arginine, an amino acid with dissimilar properties. This amino acid position is not well conserved in available vertebrate species. In addition, this alteration is predicted to be tolerated by in silico analysis. Since supporting evidence is limited at this time, the clinical significance of this alteration remains unclear.

Labcorp Genetics (formerly Invitae), Labcorp
Classification: Uncertain significance for Familial cancer of breast. Last evaluated: 2024-09-04. Review status: criteria provided, single submitter. Criteria: Invitae Variant Classification Sherloc (09022015). Collection method: clinical testing. Allele origin: germline.
Comment: This sequence change replaces glycine, which is neutral and non-polar, with arginine, which is basic and polar, at codon 999 of the PALB2 protein (p.Gly999Arg). This variant is not present in population databases (gnomAD no frequency). This variant has not been reported in the literature in individuals affected with PALB2-related conditions. ClinVar contains an entry for this variant (Variation ID: 1798570). An algorithm developed to predict the effect of missense changes on protein structure and function outputs the following: PolyPhen-2: "Benign". The arginine amino acid residue is found in multiple mammalian species, which suggests that this missense change does not adversely affect protein function. In summary, the available evidence is currently insufficient to determine the role of this variant in disease. Therefore, it has been classified as a Variant of Uncertain Significance.